The following is an entry in ClinVar:

ClinVar aggregate classification (germline): Uncertain significance (1 of 4 stars; one submission).

Conditions:
Hyperinsulinemic hypoglycemia, familial, 1 (HHF1). Also called: Persistent hyperinsulinemic hypoglycemia of infancy; NESIDIOBLASTOSIS OF PANCREAS; HYPERINSULINISM, FAMILIAL, WITH PANCREATIC NESIDIOBLASTOSIS; HYPOGLYCEMIA, HYPERINSULINEMIC, OF INFANCY; Persistent Hyperinsulinemia Hypoglycemia of Infancy. Identifiers: Orphanet 276575, Orphanet 276598, MedGen C2931832, MONDO:0009734, OMIM 256450.

gnomAD v4.1: 3 of 1,614,034 alleles (0.00019%); highest among the groups gnomAD compares: Non-Finnish European, 0.00017%; no homozygotes.

Submission:

Myriad Genetics, Inc.
Classification: Uncertain significance for Hyperinsulinemic hypoglycemia, familial, 1. Last evaluated: 2026-03-06. Review status: criteria provided, single submitter. Criteria: Myriad Autosomal Dominant, Autosomal Recessive and X-Linked Classification Criteria (2023). Collection method: clinical testing. Allele origin: unknown.
Comment: NM_000352.3(ABCC8):c.3259T>C(W1087R) is a missense variant classified as a variant of uncertain significance in the context of familial hyperinsulinism, ABCC8-related. W1087R has been observed in a case with relevant disease (PMID: 38963811). Relevant functional assessments of this variant are not available in the literature. W1087R has not been observed in referenced population frequency databases. In summary, there is insufficient evidence to classify NM_000352.3(ABCC8):c.3259T>C(W1087R) as pathogenic or benign. Please note: this variant was assessed in the context of healthy population screening.

Literature cited by the submitters: PubMed 38963811.

NM_000352.6(ABCC8):c.3259T>C (p.Trp1087Arg)

Gene: ABCC8 (ATP binding cassette subfamily C member 8; minus strand). Cytogenetic location: 11p15.1.
Variant type: single nucleotide variant.
Coding change: c.3259T>C on transcript NM_000352.6 (MANE Select); coding-DNA position 3259, T replaced by C.
Protein change: p.Trp1087Arg; replaces tryptophan 1087 with arginine.
Molecular consequence: missense variant. On other transcripts: non-coding transcript variant (1).
Genome position (GRCh38, 1-based): chr11:17,406,692, A>G on the plus strand (T>C on the coding strand, the complement: ABCC8 is on the minus strand). VCF-style: chr11-17406692-A-G. GRCh37 (hg19) VCF-style: chr11-17428239-A-G.
Other names: c.3262T>C, p.Trp1088Arg (NM_001287174.3); c.3325T>C, p.Trp1109Arg (NM_001351295.2); c.3259T>C, p.Trp1087Arg (NM_001351296.2); c.3256T>C, p.Trp1086Arg (NM_001351297.2); short protein forms W1086R, W1087R, W1088R, W1109R.
Identifiers: ClinVar variation 5003286 (VCV005003286.1).